The following is an entry in ClinVar:

ClinVar aggregate classification (germline): Likely benign (0 of 4 stars; one submission).

Conditions:
SLC51A-related disorder. Also called: SLC51A-related condition.

Allele frequency attached by ClinVar (database versions not stated): TOPMed 0.00010; gnomAD 0.00013; gnomAD exomes 0.00027; ExAC 0.00040.
gnomAD v4.1: 392 of 1,571,220 alleles (0.025%); highest among the groups gnomAD compares: Non-Finnish European, 0.033%; no homozygotes.

Submission:

PreventionGenetics, part of Exact Sciences
Classification: Likely benign for SLC51A-related condition. Last evaluated: 2023-05-11. Review status: no assertion criteria provided. Collection method: clinical testing. Allele origin: germline.
Comment: This variant is classified as likely benign based on ACMG/AMP sequence variant interpretation guidelines (Richards et al. 2015 PMID: 25741868, with internal and published modifications).

NM_152672.6(SLC51A):c.-1G>A

Gene: SLC51A (solute carrier family 51 member A; plus strand). Cytogenetic location: 3q29.
Variant type: single nucleotide variant.
Coding change: c.-1G>A on transcript NM_152672.6 (MANE Select); 1 bases upstream of the start codon, G replaced by A.
Molecular consequence: 5 prime UTR variant.
Genome position (GRCh38, 1-based): chr3:196,216,712, G>A. VCF-style: chr3-196216712-G-A. GRCh37 (hg19) VCF-style: chr3-195943583-G-A.
Identifiers: ClinVar variation 3047635 (VCV003047635.2), dbSNP rs779143599, ClinGen allele CA2778851.